The following is an entry in ClinVar:

ClinVar aggregate classification (germline): Pathogenic (1 of 4 stars; one submission).

Conditions:
Neurodegeneration with brain iron accumulation 5 (NBIA5). Also called: STATIC ENCEPHALOPATHY OF CHILDHOOD WITH NEURODEGENERATION IN ADULTHOOD; Beta-propeller protein-associated neurodegeneration. Identifiers: Orphanet 329284, MedGen C3550973, MONDO:0010476, OMIM 300894.

Submission:

Labcorp Genetics (formerly Invitae), Labcorp
Classification: Pathogenic for Neurodegeneration with brain iron accumulation 5. Last evaluated: 2023-08-04. Review status: criteria provided, single submitter. Criteria: Invitae Variant Classification Sherloc (09022015). Collection method: clinical testing. Allele origin: germline.
Comment: This variant is not present in population databases (gnomAD no frequency). This sequence change creates a premature translational stop signal (p.Lys226*) in the WDR45 gene. It is expected to result in an absent or disrupted protein product. Loss-of-function variants in WDR45 are known to be pathogenic (PMID: 23176820, 24368176, 24621584, 25744623, 26790960, 27030146, 27652284, 28554332). This variant has not been reported in the literature in individuals affected with WDR45-related conditions. For these reasons, this variant has been classified as Pathogenic. Algorithms developed to predict the effect of sequence changes on RNA splicing suggest that this variant may create or strengthen a splice site.

Literature cited by the submitters: PubMed 23176820; PubMed 24368176; PubMed 24621584; PubMed 25744623; PubMed 26790960; PubMed 27030146; PubMed 27652284; PubMed 28554332.

NM_001029896.2(WDR45):c.673A>T (p.Lys225Ter)

Gene: WDR45 (WD repeat domain 45; minus strand). Cytogenetic location: Xp11.23.
Variant type: single nucleotide variant.
Coding change: c.673A>T on transcript NM_001029896.2 (MANE Select); coding-DNA position 673, A replaced by T.
Protein change: p.Lys225Ter; replaces lysine 225 with a stop codon.
Molecular consequence: nonsense.
Genome position (GRCh38, 1-based): chrX:49,075,597, T>A on the plus strand (A>T on the coding strand, the complement: WDR45 is on the minus strand). VCF-style: chrX-49075597-T-A. GRCh37 (hg19) VCF-style: chrX-48933256-T-A.
Other names: c.676A>T, p.Lys226Ter (NM_007075.4); short protein forms K225*, K226*.
Identifiers: ClinVar variation 2831669 (VCV002831669.3), dbSNP rs2520261407, ClinGen allele CA412943755.